The following is an entry in ClinVar:

ClinVar aggregate classification (germline): Conflicting classifications of pathogenicity. Review status: criteria provided, conflicting classifications (1 of 4 stars). 3 submissions from 3 submitters: Uncertain significance (1); Likely benign (1). 1 of the submissions does not count toward it. Last evaluated 2025-07-07.

Conditions:
KMT2D-related disorder. Also called: KMT2D-Related Disorders.
Kabuki syndrome. Also called: Kabuki make-up syndrome; NIIKAWA-KUROKI SYNDROME. Identifiers: Orphanet 2322, MedGen C0796004, MONDO:0016512.

Allele frequency attached by ClinVar (database versions not stated): gnomAD exomes below 0.00001.
gnomAD v4.1: 1 of 1,537,742 alleles (0.000065%); highest among the groups gnomAD compares: Non-Finnish European, 0.000087%; no homozygotes.

Submissions (3):

Labcorp Genetics (formerly Invitae), Labcorp
Classification: Likely benign for Kabuki syndrome. Last evaluated: 2025-07-07. Review status: criteria provided, single submitter. Criteria: Invitae Variant Classification Sherloc (09022015). Collection method: clinical testing. Allele origin: germline.

Eurofins Ntd Llc (ga)
Classification: Uncertain significance. Last evaluated: 2014-01-17. Review status: criteria provided, single submitter. Criteria: EGL Classification Definitions 2015. Collection method: clinical testing. Allele origin: germline. Observed: 1 variant allele, 1 heterozygote.

PreventionGenetics, part of Exact Sciences
Classification: Likely benign for KMT2D-related condition. Last evaluated: 2021-07-14. Review status: no assertion criteria provided. Collection method: clinical testing. Allele origin: germline. Not counted in ClinVar's aggregate classification.
Comment: This variant is classified as likely benign based on ACMG/AMP sequence variant interpretation guidelines (Richards et al. 2015 PMID: 25741868, with internal and published modifications).

NM_003482.4(KMT2D):c.6456C>T (p.Gly2152=)

Gene: KMT2D (lysine methyltransferase 2D; minus strand). Cytogenetic location: 12q13.12.
Variant type: single nucleotide variant.
Coding change: c.6456C>T on transcript NM_003482.4 (MANE Select); coding-DNA position 6456, C replaced by T.
Protein change: p.Gly2152=; no amino-acid change (glycine 2152 retained).
Molecular consequence: synonymous variant.
Genome position (GRCh38, 1-based): chr12:49,041,314, G>A on the plus strand (C>T on the coding strand, the complement: KMT2D is on the minus strand). VCF-style: chr12-49041314-G-A. GRCh37 (hg19) VCF-style: chr12-49435097-G-A.
Identifiers: ClinVar variation 167225 (VCV000167225.16), dbSNP rs727503985, ClinGen allele CA234178.